The following is an entry in ClinVar:

NM_001849.4(COL6A2):c.1561C>G (p.Arg521Gly)

Gene: COL6A2 (collagen type VI alpha 2 chain; plus strand). Cytogenetic location: 21q22.3.
Variant type: single nucleotide variant.
Coding change: c.1561C>G on transcript NM_001849.4 (MANE Select); coding-DNA position 1561, C replaced by G.
Protein change: p.Arg521Gly; replaces arginine 521 with glycine.
Molecular consequence: missense variant.
Genome position (GRCh38, 1-based): chr21:46,122,147, C>G. VCF-style: chr21-46122147-C-G. GRCh37 (hg19) VCF-style: chr21-47542061-C-G.
Other names: c.1561C>G, p.Arg521Gly (NM_058174.3, NM_058175.3); short protein forms R521G.
Identifiers: ClinVar variation 4706165 (VCV004706165.1).

ClinVar aggregate classification (germline): Uncertain significance (1 of 4 stars; one submission).

Conditions:
Bethlem myopathy 1A. Also called: MYOPATHY, BENIGN CONGENITAL, WITH CONTRACTURES; Bethlem myopathy 1; Bethlem Muscular Dystrophy. Identifiers: Orphanet 610, MedGen CN029274, MONDO:0024530, OMIM 158810.

Submission:

Labcorp Genetics (formerly Invitae), Labcorp
Classification: Uncertain significance for Bethlem myopathy 1A. Last evaluated: 2025-05-26. Review status: criteria provided, single submitter. Criteria: Invitae Variant Classification Sherloc (09022015). Collection method: clinical testing. Allele origin: germline.
Comment: This sequence change replaces arginine, which is basic and polar, with glycine, which is neutral and non-polar, at codon 521 of the COL6A2 protein (p.Arg521Gly). This variant is present in population databases (no rsID available, gnomAD 0.008%). This variant has not been reported in the literature in individuals affected with COL6A2-related conditions. Invitae Evidence Modeling of protein sequence and biophysical properties (such as structural, functional, and spatial information, amino acid conservation, physicochemical variation, residue mobility, and thermodynamic stability) indicates that this missense variant is expected to disrupt COL6A2 protein function with a positive predictive value of 80%. In summary, the available evidence is currently insufficient to determine the role of this variant in disease. Therefore, it has been classified as a Variant of Uncertain Significance.